The following is an entry in ClinVar:

NM_000257.4(MYH7):c.410A>T (p.Glu137Val)

Gene: MYH7 (myosin heavy chain 7; minus strand). Cytogenetic location: 14q11.2.
Variant type: single nucleotide variant.
Coding change: c.410A>T on transcript NM_000257.4 (MANE Select); coding-DNA position 410, A replaced by T.
Protein change: p.Glu137Val; replaces glutamic acid 137 with valine.
Molecular consequence: missense variant.
Genome position (GRCh38, 1-based): chr14:23,432,731, T>A on the plus strand (A>T on the coding strand, the complement: MYH7 is on the minus strand). VCF-style: chr14-23432731-T-A. GRCh37 (hg19) VCF-style: chr14-23901940-T-A.
Other names: short protein forms E137V.
Identifiers: ClinVar variation 1348703 (VCV001348703.8), dbSNP rs2138684692, ClinGen allele CA389052875.

ClinVar aggregate classification (germline): Uncertain significance (1 of 4 stars; one submission).

Conditions:
Hypertrophic cardiomyopathy. Also called: HYPERTROPHIC MYOCARDIOPATHY. Identifiers: Orphanet 217569, MedGen C0007194, MeSH D002312, MONDO:0005045, HP:0001639.

Submission:

Labcorp Genetics (formerly Invitae), Labcorp
Classification: Uncertain significance for Hypertrophic cardiomyopathy. Last evaluated: 2021-04-24. Review status: criteria provided, single submitter. Criteria: Invitae Variant Classification Sherloc (09022015). Collection method: clinical testing. Allele origin: germline.
Comment: This sequence change replaces glutamic acid with valine at codon 137 of the MYH7 protein (p.Glu137Val). The glutamic acid residue is moderately conserved and there is a moderate physicochemical difference between glutamic acid and valine. Algorithms developed to predict the effect of missense changes on protein structure and function are either unavailable or do not agree on the potential impact of this missense change (SIFT: "Deleterious"; PolyPhen-2: "Benign"; Align-GVGD: "Class C0"). In summary, the available evidence is currently insufficient to determine the role of this variant in disease. Therefore, it has been classified as a Variant of Uncertain Significance. This variant has not been reported in the literature in individuals with MYH7-related conditions. This variant is not present in population databases (ExAC no frequency).